The following is an entry in ClinVar:

NM_005618.4(DLL1):c.1968C>G (p.Asp656Glu)

Genes: DLL1 (delta like canonical Notch ligand 1; minus strand), LOC126859913 (P300/CBP strongly-dependent group 1 enhancer GRCh37_chr6:170591232-170592431; plus strand). Cytogenetic location: 6q27.
Variant type: single nucleotide variant.
Coding change: c.1968C>G on transcript NM_005618.4 (MANE Select); coding-DNA position 1968, C replaced by G.
Protein change: p.Asp656Glu; replaces aspartic acid 656 with glutamic acid.
Molecular consequence: missense variant.
Genome position (GRCh38, 1-based): chr6:170,283,311, G>C on the plus strand (C>G on the coding strand, the complement: DLL1 is on the minus strand). VCF-style: chr6-170283311-G-C. GRCh37 (hg19) VCF-style: chr6-170592399-G-C.
Other names: short protein forms D656E.
Identifiers: ClinVar variation 1806673 (VCV001806673.1), dbSNP rs144070852, ClinGen allele CA366506172.
Genomic context (GRCh38, chr6:170,283,311, plus strand): 5'-CCCCTTCTCCTCCCCTGAGGAGCCCTGGGGCTGGCACTTGGTGTCACGCTTGCTGTGCGC[G>C]TCCCTGACGGCGGTGTCGTCACCCTTGAGGTCCTGCACGAGGTTATAGTCCACCGCTGGG-3'
Protein context (NP_005609.3, residues 646-666): DLKGDDTAVR[Asp656Glu]AHSKRDTKCQ

ClinVar aggregate classification (germline): Uncertain significance (1 of 4 stars; one submission).

Submission:

GeneDx
Classification: Uncertain significance. Last evaluated: 2022-06-24. Review status: criteria provided, single submitter. Criteria: GeneDx Variant Classification Process June 2021. Collection method: clinical testing. Allele origin: germline. Affected: yes.
Comment: Not observed at significant frequency in large population cohorts (gnomAD); In silico analysis supports that this missense variant does not alter protein structure/function; Has not been previously published as pathogenic or benign to our knowledge